The following is an entry in ClinVar:

NM_001018115.3(FANCD2):c.1122A>G (p.Val374=)

Genes: FANCD2 (FA complementation group D2; plus strand), LOC107303338 (3p25 FANCD2 Alu-mediated recombination region; plus strand). Cytogenetic location: 3p25.3.
Variant type: single nucleotide variant.
Coding change: c.1122A>G on transcript NM_001018115.3 (MANE Select); coding-DNA position 1122, A replaced by G.
Protein change: p.Val374=; no amino-acid change (valine 374 retained).
Molecular consequence: synonymous variant.
Genome position (GRCh38, 1-based): chr3:10,043,852, A>G. VCF-style: chr3-10043852-A-G. GRCh37 (hg19) VCF-style: chr3-10085536-A-G.
Other names: NP_001018125.1:p.Val374=; p.Val374=; c.1122A>G (NM_033084.5); c.1122A>G, p.Val374= (NM_001319984.2, NM_001374253.1, NM_001374254.1 and 1 more transcripts).
Identifiers: ClinVar variation 257065 (VCV000257065.33), dbSNP rs34046352, ClinGen allele CA2249503.

ClinVar aggregate classification (germline): Benign/Likely benign. Review status: criteria provided, multiple submitters, no conflicts (2 of 4 stars). 13 submissions from 13 submitters: Benign (11); Likely benign (2). Last evaluated 2026-03-23.

Conditions:
Hereditary breast ovarian cancer syndrome. Also called: Hereditary breast and/or ovarian cancer syndrome; Hereditary breast and ovarian cancer; Hereditary breast and ovarian cancer syndrome; Hereditary breast and ovarian cancer syndrome (HBOC); Breast and ovarian cancer; BRCA1- and BRCA2-Associated Hereditary Breast and Ovarian Cancer. Identifiers: Orphanet 145, MedGen C0677776, MeSH D061325, MONDO:0003582. Disease mechanism: loss of function.
Fanconi anemia (FA). Also called: Fanconi's anemia. Identifiers: Orphanet 84, MedGen C0015625, MeSH D005199, MONDO:0019391.
Fanconi anemia complementation group D2. Also called: FANCD2-Related Fanconi Anemia; FANCONI PANCYTOPENIA, TYPE 4; FANCONI ANEMIA, COMPLEMENTATION GROUP D. Identifiers: Orphanet 84, MedGen C3160738, MONDO:0009214, OMIM 227646.
Fanconi anemia complementation group A (FANCA). Also called: Fanconi anemia, group A; FANCA-Related Fanconi Anemia. Identifiers: Orphanet 84, MedGen C3469521, MONDO:0009215, OMIM 227650.

Allele frequency attached by ClinVar (database versions not stated): ExAC 0.12393; 1000 Genomes Project 30x 0.18629; gnomAD 0.19305 and 0.19892.

Submissions (13):

Women's Health and Genetics/Laboratory Corporation of America, LabCorp
Classification: Likely benign. Last evaluated: 2026-03-23. Review status: criteria provided, single submitter. Criteria: LabCorp Variant Classification Summary - May 2015. Collection method: clinical testing. Allele origin: germline.

Labcorp Genetics (formerly Invitae), Labcorp
Classification: Benign for Fanconi anemia. Last evaluated: 2026-02-04. Review status: criteria provided, single submitter. Criteria: Invitae Variant Classification Sherloc (09022015). Collection method: clinical testing. Allele origin: germline.

Mayo Clinic Laboratories, Mayo Clinic
Classification: Benign. Last evaluated: 2025-09-16. Review status: criteria provided, single submitter. Criteria: ACMG Guidelines, 2015. Collection method: clinical testing. Allele origin: germline. Observed: 23 variant alleles.
Comment: BA1, BP4, BP7

Blueprint Genetics
Classification: Likely benign. Last evaluated: 2024-11-26. Review status: criteria provided, single submitter. Criteria: ACMG Guidelines, 2015. Collection method: clinical testing. Allele origin: germline.

KCCC/NGS Laboratory, Kuwait Cancer Control Center
Classification: Benign for Fanconi anemia complementation group D2. Last evaluated: 2023-07-07. Review status: criteria provided, single submitter. Criteria: ACMG Guidelines, 2015. Collection method: clinical testing. Allele origin: germline. Affected: yes.

National Health Laboratory Service, Universitas Academic Hospital and University of the Free State
Classification: Benign for Hereditary breast ovarian cancer syndrome. Last evaluated: 2022-04-19. Review status: criteria provided, single submitter. Criteria: ACMG Guidelines, 2015. Collection method: clinical testing. Allele origin: germline. Affected: yes. Observed: 175 variant alleles.

Genetic Services Laboratory, University of Chicago
Classification: Benign. Last evaluated: 2020-06-12. Review status: criteria provided, single submitter. Criteria: ACMG Guidelines, 2015. Collection method: clinical testing. Allele origin: germline. Affected: no.

Mendelics
Classification: Benign for Fanconi anemia complementation group A. Last evaluated: 2019-05-28. Review status: criteria provided, single submitter. Criteria: Mendelics Assertion Criteria 2017. Collection method: clinical testing. Allele origin: unknown.

GeneDx
Classification: Benign. Last evaluated: 2019-02-11. Review status: criteria provided, single submitter. Criteria: GeneDx Variant Classification Process June 2021. Collection method: clinical testing. Allele origin: germline. Affected: yes.

Illumina Laboratory Services, Illumina
Classification: Benign for Fanconi anemia complementation group D2. Last evaluated: 2018-01-13. Review status: criteria provided, single submitter. Criteria: ICSL Variant Classification Criteria 13 December 2019. Collection method: clinical testing. Allele origin: germline.
Comment: This variant was observed in the ICSL laboratory as part of a predisposition screen in an ostensibly healthy population. It had not been previously curated by ICSL or reported in the Human Gene Mutation Database (HGMD: prior to June 1st, 2018), and was therefore a candidate for classification through an automated scoring system. Utilizing variant allele frequency, disease prevalence and penetrance estimates, and inheritance mode, an automated score was calculated to assess if this variant is too frequent to cause the disease. Based on the score and internal cut-off values, a variant classified as benign is not then subjected to further curation. The score for this variant resulted in a classification of benign for this disease.

ARUP Laboratories, Molecular Genetics and Genomics, ARUP Laboratories
Classification: Benign. Last evaluated: 2016-10-10. Review status: criteria provided, single submitter. Criteria: ARUP Molecular Germline Variant Investigation Process. Collection method: clinical testing. Allele origin: germline.

Breakthrough Genomics
Classification: Benign. Review status: criteria provided, single submitter. Criteria: ACMG Guidelines, 2015. Collection method: not provided. Allele origin: germline. Inheritance: Autosomal recessive inheritance. Affected: yes.

PreventionGenetics, part of Exact Sciences
Classification: Benign. Review status: criteria provided, single submitter. Criteria: ACMG Guidelines, 2015. Collection method: clinical testing. Allele origin: germline.